The following is an entry in ClinVar:

ClinVar aggregate classification (germline): Uncertain significance (1 of 4 stars; one submission).

Conditions:
Congenital disorder of glycosylation, type Ii. Also called: ALG2-CDG; CDG Ii; ALG2-congenital disorder of glycosylation. Identifiers: Orphanet 79326, MedGen C1842836, MONDO:0011933, OMIM 607906.
Congenital myasthenic syndrome 14. Also called: Myasthenic syndrome, congenital, 14, with tubular aggregates. Identifiers: Orphanet 353327, Orphanet 590, MedGen C4015597, MONDO:0014543, OMIM 616228.

Allele frequency attached by ClinVar (database versions not stated): gnomAD exomes below 0.00001.

Submission:

Labcorp Genetics (formerly Invitae), Labcorp
Classification: Uncertain significance for Congenital disorder of glycosylation, type Ii; Congenital myasthenic syndrome 14. Last evaluated: 2022-08-23. Review status: criteria provided, single submitter. Criteria: Invitae Variant Classification Sherloc (09022015). Collection method: clinical testing. Allele origin: germline.
Comment: This sequence change replaces isoleucine, which is neutral and non-polar, with threonine, which is neutral and polar, at codon 342 of the ALG2 protein (p.Ile342Thr). This variant is not present in population databases (gnomAD no frequency). This variant has not been reported in the literature in individuals affected with ALG2-related conditions. ClinVar contains an entry for this variant (Variation ID: 1519928). Algorithms developed to predict the effect of missense changes on protein structure and function (SIFT, PolyPhen-2, Align-GVGD) all suggest that this variant is likely to be disruptive. In summary, the available evidence is currently insufficient to determine the role of this variant in disease. Therefore, it has been classified as a Variant of Uncertain Significance.

NM_033087.4(ALG2):c.1025T>C (p.Ile342Thr)

Gene: ALG2 (ALG2 alpha-1,3/1,6-mannosyltransferase; minus strand). Cytogenetic location: 9q22.33.
Variant type: single nucleotide variant.
Coding change: c.1025T>C on transcript NM_033087.4 (MANE Select); coding-DNA position 1025, T replaced by C.
Protein change: p.Ile342Thr; replaces isoleucine 342 with threonine.
Molecular consequence: missense variant. On other transcripts: non-coding transcript variant (1).
Genome position (GRCh38, 1-based): chr9:99,218,160, A>G on the plus strand (T>C on the coding strand, the complement: ALG2 is on the minus strand). VCF-style: chr9-99218160-A-G. GRCh37 (hg19) VCF-style: chr9-101980442-A-G.
Other names: short protein forms I342T.
Identifiers: ClinVar variation 1519928 (VCV001519928.4), dbSNP rs2118998170, ClinGen allele CA374226427.